The following is an entry in ClinVar:

ClinVar aggregate classification (germline): Uncertain significance. Review status: criteria provided, multiple submitters, no conflicts (2 of 4 stars). 3 submissions from 3 submitters: Uncertain significance (3). Last evaluated 2025-01-23.

Conditions:
Aortic aneurysm, familial thoracic 7 (AAT7). Also called: AORTIC DISSECTION, FAMILIAL, WITH OR WITHOUT AORTIC ANEURYSM. Identifiers: MedGen C3151077, MONDO:0013418, OMIM 613780.
Megacystis-microcolon-intestinal hypoperistalsis syndrome 1. Identifiers: MedGen C5542316, MONDO:0100354, OMIM 249210.
Familial thoracic aortic aneurysm and aortic dissection (TAAD). Also called: Thoracic aortic aneurysms and dissections. Identifiers: Orphanet 91387, MedGen C4707243, MONDO:0019625.

Allele frequency attached by ClinVar (database versions not stated): gnomAD 0.00002 and 0.00003; TOPMed 0.00004.

Submissions (3):

Labcorp Genetics (formerly Invitae), Labcorp
Classification: Uncertain significance for Aortic aneurysm, familial thoracic 7. Last evaluated: 2025-01-23. Review status: criteria provided, single submitter. Criteria: Invitae Variant Classification Sherloc (09022015). Collection method: clinical testing. Allele origin: germline.
Comment: This sequence change replaces valine, which is neutral and non-polar, with isoleucine, which is neutral and non-polar, at codon 1071 of the MYLK protein (p.Val1071Ile). This variant is present in population databases (rs752986671, gnomAD 0.004%). This variant has not been reported in the literature in individuals affected with MYLK-related conditions. ClinVar contains an entry for this variant (Variation ID: 1439138). Invitae Evidence Modeling of protein sequence and biophysical properties (such as structural, functional, and spatial information, amino acid conservation, physicochemical variation, residue mobility, and thermodynamic stability) indicates that this missense variant is not expected to disrupt MYLK protein function with a negative predictive value of 80%. In summary, the available evidence is currently insufficient to determine the role of this variant in disease. Therefore, it has been classified as a Variant of Uncertain Significance.

Ambry Genetics
Classification: Uncertain significance for Familial thoracic aortic aneurysm and aortic dissection. Last evaluated: 2022-09-17. Review status: criteria provided, single submitter. Criteria: Ambry Variant Classification Scheme 2023. Collection method: clinical testing. Allele origin: germline.
Comment: The p.V1071I variant (also known as c.3211G>A), located in coding exon 15 of the MYLK gene, results from a G to A substitution at nucleotide position 3211. The valine at codon 1071 is replaced by isoleucine, an amino acid with highly similar properties. This amino acid position is conserved. In addition, this alteration is predicted to be tolerated by in silico analysis. Since supporting evidence is limited at this time, the clinical significance of this alteration remains unclear.

Fulgent Genetics
Classification: Uncertain significance for Megacystis-microcolon-intestinal hypoperistalsis syndrome 1; Aortic aneurysm, familial thoracic 7. Last evaluated: 2021-09-01. Review status: criteria provided, single submitter. Criteria: ACMG Guidelines, 2015. Collection method: clinical testing. Allele origin: unknown.

NM_053025.4(MYLK):c.3211G>A (p.Val1071Ile)

Gene: MYLK (myosin light chain kinase; minus strand). Cytogenetic location: 3q21.1.
Variant type: single nucleotide variant.
Coding change: c.3211G>A on transcript NM_053025.4 (MANE Select); coding-DNA position 3211, G replaced by A.
Protein change: p.Val1071Ile; replaces valine 1071 with isoleucine.
Molecular consequence: missense variant.
Genome position (GRCh38, 1-based): chr3:123,700,257, C>T on the plus strand (G>A on the coding strand, the complement: MYLK is on the minus strand). VCF-style: chr3-123700257-C-T. GRCh37 (hg19) VCF-style: chr3-123419104-C-T.
Other names: c.2683G>A, p.Val895Ile (NM_001321309.2); c.3004G>A, p.Val1002Ile (NM_053026.4, NM_053028.4); c.3211G>A, p.Val1071Ile (NM_053027.4); short protein forms V1002I, V895I, V1071I.
Identifiers: ClinVar variation 1439138 (VCV001439138.10), dbSNP rs752986671, ClinGen allele CA069455.
Genomic context (GRCh38, chr3:123,700,257, plus strand): 5'-ATCTCTTTTCATTATCTGTGGTCCCTGCATGGCCTCTCTTGCAGTTCACATCATTCTTAA[C>T]GTCTTTCTTGAGTTCTTCTTTGCTAGCGGATTTCAGGTTCTCATCAGGCTTGGCATTGCC-3'
Protein context (NP_444253.3, residues 1061-1081): SASKEELKKD[Val1071Ile]KNDVNCKRGH